The following is an entry in ClinVar:

NM_001031710.3(KLHL7):c.1662A>G (p.Lys554=)

Gene: KLHL7 (kelch like family member 7; plus strand). Cytogenetic location: 7p15.3.
Variant type: single nucleotide variant.
Coding change: c.1662A>G on transcript NM_001031710.3 (MANE Select); coding-DNA position 1662, A replaced by G.
Protein change: p.Lys554=; no amino-acid change (lysine 554 retained).
Molecular consequence: synonymous variant. On other transcripts: non-coding transcript variant (1).
Genome position (GRCh38, 1-based): chr7:23,174,199, A>G. VCF-style: chr7-23174199-A-G. GRCh37 (hg19) VCF-style: chr7-23213818-A-G.
Other names: c.1518A>G, p.Lys506= (NM_018846.5); c.1662A>G (NM_001031710.2).
Identifiers: ClinVar variation 1940277 (VCV001940277.7), dbSNP rs1028357748, ClinGen allele CA155257894.

ClinVar aggregate classification (germline): Conflicting classifications of pathogenicity. Review status: criteria provided, conflicting classifications (1 of 4 stars). 3 submissions from 3 submitters: Uncertain significance (1); Likely benign (1). 1 of the submissions does not count toward it. Last evaluated 2024-06-26.

Conditions:
KLHL7-related disorder. Also called: KLHL7-related disorders; KLHL7-related condition.

Allele frequency attached by ClinVar (database versions not stated): gnomAD exomes below 0.00001; gnomAD 0.00001; TOPMed 0.00001.
gnomAD v4.1: 3 of 1,614,070 alleles (0.00019%); highest among the groups gnomAD compares: African/African-American, 0.004%; no homozygotes.

Submissions (3):

Labcorp Genetics (formerly Invitae), Labcorp
Classification: Likely benign. Last evaluated: 2024-06-26. Review status: criteria provided, single submitter. Criteria: Invitae Variant Classification Sherloc (09022015). Collection method: clinical testing. Allele origin: germline.

Blueprint Genetics
Classification: Uncertain significance. Last evaluated: 2022-01-12. Review status: criteria provided, single submitter. Criteria: ACMG Guidelines, 2015. Collection method: clinical testing. Allele origin: germline.

PreventionGenetics, part of Exact Sciences
Classification: Likely benign for KLHL7-related condition. Last evaluated: 2024-04-22. Review status: no assertion criteria provided. Collection method: clinical testing. Allele origin: germline. Not counted in ClinVar's aggregate classification.
Comment: This variant is classified as likely benign based on ACMG/AMP sequence variant interpretation guidelines (Richards et al. 2015 PMID: 25741868, with internal and published modifications).